The following is an entry in ClinVar:

NM_004177.5(STX3):c.655G>A (p.Ala219Thr)

Gene: STX3 (syntaxin 3; plus strand). Cytogenetic location: 11q12.1.
Variant type: single nucleotide variant.
Coding change: c.655G>A on transcript NM_004177.5 (MANE Select); coding-DNA position 655, G replaced by A.
Protein change: p.Ala219Thr; replaces alanine 219 with threonine.
Molecular consequence: missense variant.
Genome position (GRCh38, 1-based): chr11:59,793,494, G>A. VCF-style: chr11-59793494-G-A. GRCh37 (hg19) VCF-style: chr11-59560967-G-A.
Other names: c.655G>A, p.Ala219Thr (NM_001178040.3); short protein forms A219T.
Identifiers: ClinVar variation 2089495 (VCV002089495.1), dbSNP rs376160845, ClinGen allele CA6020955.
Genomic context (GRCh38, chr11:59,793,494, plus strand): 5'-AAGGACATTGTGAGGCTGGAGAGCAGCATCAAGGAGCTTCACGACATGTTTATGGACATC[G>A]CCATGCTGGTGGAGAATCAGGTAAGTGGCAGTGAGTCCCAGCGTGGGGAGGGAGGAGAGG-3'
Protein context (NP_004168.1, residues 209-229): KELHDMFMDI[Ala219Thr]MLVENQGEML

ClinVar aggregate classification (germline): Uncertain significance (1 of 4 stars; one submission).

Allele frequency attached by ClinVar (database versions not stated): TOPMed below 0.00001; gnomAD exomes 0.00001; gnomAD 0.00002; ExAC 0.00005; ESP Exome Variant Server 0.00008; 1000 Genomes Project 30x 0.00016; 1000 Genomes Project 0.00020.
gnomAD v4.1: 25 of 1,613,772 alleles (0.0015%); highest among the groups gnomAD compares: South Asian, 0.02%; no homozygotes.

Submission:

Labcorp Genetics (formerly Invitae), Labcorp
Classification: Uncertain significance. Last evaluated: 2022-05-11. Review status: criteria provided, single submitter. Criteria: Invitae Variant Classification Sherloc (09022015). Collection method: clinical testing. Allele origin: germline.
Comment: This sequence change replaces alanine, which is neutral and non-polar, with threonine, which is neutral and polar, at codon 219 of the STX3 protein (p.Ala219Thr). This variant is present in population databases (rs376160845, gnomAD 0.02%). This variant has not been reported in the literature in individuals affected with STX3-related conditions. Algorithms developed to predict the effect of missense changes on protein structure and function are either unavailable or do not agree on the potential impact of this missense change (SIFT: "Tolerated"; PolyPhen-2: "Probably Damaging"; Align-GVGD: "Class C0"). In summary, the available evidence is currently insufficient to determine the role of this variant in disease. Therefore, it has been classified as a Variant of Uncertain Significance.